The following is an entry in ClinVar:

ClinVar aggregate classification (germline): Uncertain significance. Review status: criteria provided, multiple submitters, no conflicts (2 of 4 stars). 4 submissions from 4 submitters: Uncertain significance (4). Last evaluated 2025-12-20.

Conditions:
Hereditary cancer-predisposing syndrome. Also called: Hereditary neoplastic syndrome; Tumor predisposition; Hereditary Cancer Syndrome; Neoplastic Syndromes, Hereditary. Identifiers: Orphanet 140162, MedGen C0027672, MeSH D009386, MONDO:0015356.
Cardiovascular phenotype. Identifiers: MedGen CN230736.

Submissions (4):

Labcorp Genetics (formerly Invitae), Labcorp
Classification: Uncertain significance. Last evaluated: 2025-12-20. Review status: criteria provided, single submitter. Criteria: Invitae Variant Classification Sherloc (09022015). Collection method: clinical testing. Allele origin: germline.
Comment: This variant, c.2260_2262del, results in the deletion of 1 amino acid(s) of the LZTR1 protein (p.Asn754del), but otherwise preserves the integrity of the reading frame. This variant is present in population databases (rs762525437, gnomAD 0.002%). This variant has not been reported in the literature in individuals affected with LZTR1-related conditions. ClinVar contains an entry for this variant (Variation ID: 1469413). Experimental studies and prediction algorithms are not available or were not evaluated, and the functional significance of this variant is currently unknown. In summary, the available evidence is currently insufficient to determine the role of this variant in disease. Therefore, it has been classified as a Variant of Uncertain Significance.

Ambry Genetics
Classification: Uncertain significance for Cardiovascular phenotype; Hereditary cancer-predisposing syndrome. Last evaluated: 2025-07-08. Review status: criteria provided, single submitter. Criteria: Ambry Variant Classification Scheme 2023. Collection method: clinical testing. Allele origin: germline.
Comment: The c.2260_2262delAAC variant (also known as p.N754del) is located in coding exon 19 of the LZTR1 gene. This variant results from an in-frame AAC deletion at nucleotide positions 2260 to 2262. This results in the in-frame deletion of an asparagine at codon 754. This amino acid position is highly conserved in available vertebrate species. In addition, this variant is predicted to be deleterious by in silico analysis (Choi Y et al. PLoS ONE. 2012; 7(10):e46688). Based on the available evidence, the clinical significance of this variant remains unclear.

CeGaT Center for Human Genetics Tuebingen
Classification: Uncertain significance. Last evaluated: 2022-12-01. Review status: criteria provided, single submitter. Criteria: CeGaT Center For Human Genetics Tuebingen Variant Classification Criteria Version 2. Collection method: clinical testing. Allele origin: germline. Affected: yes. Observed: 1 variant allele.

GeneDx
Classification: Uncertain significance. Last evaluated: 2022-05-02. Review status: criteria provided, single submitter. Criteria: GeneDx Variant Classification Process June 2021. Collection method: clinical testing. Allele origin: germline. Affected: yes.
Comment: In-frame deletion of 1 amino acid in a non-repeat region; Has not been previously published as pathogenic or benign to our knowledge; Not observed at significant frequency in large population cohorts (gnomAD); In silico analysis supports a deleterious effect on protein structure/function

NM_006767.4(LZTR1):c.2257AAC[1] (p.Asn754del)

Gene: LZTR1 (leucine zipper like post translational regulator 1; plus strand). Cytogenetic location: 22q11.21.
Variant type: Microsatellite.
Coding change: c.2257AAC[1] on transcript NM_006767.4 (MANE Select); one copy of the 3-base unit AAC starting at c.2257; the reference has two copies in a row; one copy, 3 bases deleted.
Protein change: p.Asn754del; deletes asparagine 754.
Molecular consequence: inframe deletion.
Genome position (GRCh38, 1-based): chr22:20,996,736-20,996,738, AAC deleted; deleting any 3 consecutive bases within chr22:20,996,731-20,996,738 gives the same sequence; the position shown is the placement nearest the transcript's 3' end. VCF-style (leftmost placement, unchanged base first): chr22-20996730-TACA-T. GRCh37 (hg19) VCF-style: chr22-21351019-TACA-T.
Other names: c.2260_2262delAAC (NM_006767.3); short protein forms N754del.
Identifiers: ClinVar variation 1469413 (VCV001469413.33), dbSNP rs762525437, ClinGen allele CA10119319.